The following is an entry in ClinVar:

NM_022041.4(GAN):c.642G>A (p.Met214Ile)

Gene: GAN (gigaxonin; plus strand). Cytogenetic location: 16q23.2.
Variant type: single nucleotide variant.
Coding change: c.642G>A on transcript NM_022041.4 (MANE Select); coding-DNA position 642, G replaced by A.
Protein change: p.Met214Ile; replaces methionine 214 with isoleucine.
Molecular consequence: missense variant. On other transcripts: initiator codon variant (1).
Genome position (GRCh38, 1-based): chr16:81,356,793, G>A. VCF-style: chr16-81356793-G-A. GRCh37 (hg19) VCF-style: chr16-81390398-G-A.
Other names: c.642G>A (NM_022041.3); c.3G>A, p.Met1Ile (NM_001377486.1); short protein forms M1I, M214I.
Identifiers: ClinVar variation 1036479 (VCV001036479.8), dbSNP rs374659636, ClinGen allele CA8191442.

ClinVar aggregate classification (germline): Uncertain significance. Review status: criteria provided, multiple submitters, no conflicts (2 of 4 stars). 3 submissions from 3 submitters: Uncertain significance (3). Last evaluated 2025-01-17.

Conditions:
Inborn genetic diseases. Identifiers: MedGen C0950123, MeSH D030342.
Giant axonal neuropathy 1 (GAN1). Also called: GIANT AXONAL NEUROPATHY 1, AUTOSOMAL RECESSIVE; GAN-Related Neurodegeneration. Identifiers: Orphanet 643, MedGen C1850386, MONDO:0009749, OMIM 256850.

Allele frequency attached by ClinVar (database versions not stated): gnomAD 0.00001; gnomAD exomes 0.00001; TOPMed 0.00003; ESP Exome Variant Server 0.00008.
gnomAD v4.1: 13 of 1,609,640 alleles (0.00081%); highest among the groups gnomAD compares: Admixed American, 0.0033%; no homozygotes.

Submissions (3):

Ambry Genetics
Classification: Uncertain significance for Inborn genetic diseases. Last evaluated: 2025-01-17. Review status: criteria provided, single submitter. Criteria: Ambry Variant Classification Scheme 2023. Collection method: clinical testing. Allele origin: germline.

Labcorp Genetics (formerly Invitae), Labcorp
Classification: Uncertain significance for Giant axonal neuropathy 1. Last evaluated: 2021-08-26. Review status: criteria provided, single submitter. Criteria: Invitae Variant Classification Sherloc (09022015). Collection method: clinical testing. Allele origin: germline.
Comment: This sequence change replaces methionine with isoleucine at codon 214 of the GAN protein (p.Met214Ile). The methionine residue is highly conserved and there is a small physicochemical difference between methionine and isoleucine. This variant is present in population databases (rs374659636, ExAC 0.001%). This variant has not been reported in the literature in individuals affected with GAN-related conditions. Algorithms developed to predict the effect of missense changes on protein structure and function (SIFT, PolyPhen-2, Align-GVGD) all suggest that this variant is likely to be tolerated. In summary, the available evidence is currently insufficient to determine the role of this variant in disease. Therefore, it has been classified as a Variant of Uncertain Significance.

Breakthrough Genomics
Classification: Uncertain significance. Review status: criteria provided, single submitter. Criteria: ACMG Guidelines, 2015. Collection method: not provided. Allele origin: germline. Inheritance: Autosomal recessive inheritance. Affected: yes.